The following is an entry in ClinVar:

NM_000518.5(HBB):c.323G>T (p.Gly108Val)

Genes: HBB (hemoglobin subunit beta; minus strand), LOC107133510 (origin of replication at HBB; plus strand), LOC110006319 (beta-globin gene 3' regulatory region; plus strand). Cytogenetic location: 11p15.4.
Variant type: single nucleotide variant.
Coding change: c.323G>T on transcript NM_000518.5 (MANE Select); coding-DNA position 323, G replaced by T.
Protein change: p.Gly108Val; replaces glycine 108 with valine.
Molecular consequence: missense variant.
Genome position (GRCh38, 1-based): chr11:5,225,719, C>A on the plus strand (G>T on the coding strand, the complement: HBB is on the minus strand). VCF-style: chr11-5225719-C-A. GRCh37 (hg19) VCF-style: chr11-5246949-C-A.
Other names: short protein forms G108V.
Identifiers: ClinVar variation 633260 (VCV000633260.1), dbSNP rs35519485, ClinGen allele CA379273748.

ClinVar aggregate classification (germline): Uncertain significance (1 of 4 stars; one submission).

Submission:

Women's Health and Genetics/Laboratory Corporation of America, LabCorp
Classification: Uncertain significance. Last evaluated: 2018-11-05. Review status: criteria provided, single submitter. Criteria: LabCorp Variant Classification Summary - May 2015. Collection method: clinical testing. Allele origin: germline.
Comment: Variant summary: HBB c.323G>T (p.Gly108Val) results in a non-conservative amino acid change. Five of five in-silico tools predict a damaging effect of the variant on protein function. The variant was absent in 276928 control chromosomes (gnomAD). The available data on variant occurrences in the general population are insufficient to allow any conclusion about variant significance. To our knowledge, no occurrence of c.323G>T in individuals affected with Hemoglobinopathy and no experimental evidence demonstrating its impact on protein function have been reported. No clinical diagnostic laboratories have submitted clinical-significance assessments for this variant to ClinVar after 2014. Based on the evidence outlined above, the variant was classified as uncertain significance.